The following is an entry in ClinVar:

ClinVar aggregate classification (germline): Uncertain significance. Review status: criteria provided, single submitter (1 of 4 stars). 2 submissions from 2 submitters: Uncertain significance (1). 1 of the submissions does not count toward it. Last evaluated 2021-10-22.

Conditions:
ZFHX2-related disorder. Also called: ZFHX2-related condition.

Allele frequency attached by ClinVar (database versions not stated): ExAC 0.00007; gnomAD exomes 0.00007; 1000 Genomes Project 30x 0.00016; 1000 Genomes Project 0.00020; gnomAD 0.00086; TOPMed 0.00087.
gnomAD v4.1: 237 of 1,536,192 alleles (0.015%); highest among the groups gnomAD compares: African/African-American, 0.3%; no homozygotes.

Submissions (2):

Ambry Genetics
Classification: Uncertain significance. Last evaluated: 2021-10-22. Review status: criteria provided, single submitter. Criteria: Ambry Variant Classification Scheme 2023. Collection method: clinical testing. Allele origin: germline.

PreventionGenetics, part of Exact Sciences
Classification: Likely benign for ZFHX2-related condition. Last evaluated: 2019-06-19. Review status: no assertion criteria provided. Collection method: clinical testing. Allele origin: germline. Not counted in ClinVar's aggregate classification.
Comment: This variant is classified as likely benign based on ACMG/AMP sequence variant interpretation guidelines (Richards et al. 2015 PMID: 25741868, with internal and published modifications).

NM_033400.3(ZFHX2):c.496C>G (p.Leu166Val)

Genes: THTPA (thiamine triphosphatase; plus strand), ZFHX2 (zinc finger homeobox 2; minus strand). Cytogenetic location: 14q11.2.
Variant type: single nucleotide variant.
Coding change: c.496C>G on transcript NM_033400.3 (MANE Select); coding-DNA position 496, C replaced by G.
Protein change: p.Leu166Val; replaces leucine 166 with valine.
Molecular consequence: missense variant.
Genome position (GRCh38, 1-based): chr14:23,534,830, G>C on the plus strand (C>G on the coding strand, the complement: ZFHX2 is on the minus strand). VCF-style: chr14-23534830-G-C. GRCh37 (hg19) VCF-style: chr14-24004039-G-C.
Other names: short protein forms L166V.
Identifiers: ClinVar variation 2372767 (VCV002372767.4), dbSNP rs577541731, ClinGen allele CA7117162.
Genomic context (GRCh38, chr14:23,534,830, plus strand): 5'-GGTCAGAAGAGCTAAAGCCTTGGATTGGGTCAAAGCCATGTTGGATGTGAAGGGCAGTGA[G>C]GTGTGAGGGGGGTGGGTAGGCAAGGAAGGGCAGACTGGGCTCTTCCTTGATGCCCGCCTC-3'
Protein context (NP_207646.2, residues 156-176): PFLAYPPPSH[Leu166Val]TALHIQHGFD